The following is an entry in ClinVar:

NM_001267550.2(TTN):c.70307del (p.Pro23436fs)

Genes: TTN-AS1 (TTN antisense RNA 1; plus strand), TTN (titin; minus strand), LOC126806422 (BRD4-independent group 4 enhancer GRCh37_chr2:179440205-179441404; plus strand). Cytogenetic location: 2q31.2.
Variant type: Deletion.
Coding change: c.70307del on transcript NM_001267550.2 (MANE Select); coding-DNA position 70307, one base deleted (C; older notation c.70307delC).
Protein change: p.Pro23436fs; shifts the reading frame from proline 23436.
Molecular consequence: frameshift variant.
Genome position (GRCh38, 1-based): chr2:178,575,825, G deleted on the plus strand (C on the coding strand, the reverse complement: TTN is on the minus strand); the first of 2 consecutive G bases (chr2:178,575,825-178,575,826); deleting either gives the same sequence. VCF-style (leftmost placement, unchanged base first): chr2-178575824-TG-T. GRCh37 (hg19) VCF-style: chr2-179440551-TG-T.
Other names: c.65384del, p.Pro21795fs (NM_001256850.1); c.43112del, p.Pro14371fs (NM_003319.4); c.62603del, p.Pro20868fs (NM_133378.4); c.43487del, p.Pro14496fs (NM_133432.3); c.43688del, p.Pro14563fs (NM_133437.4); short protein forms P14371fs, P14496fs, P14563fs, P20868fs, P21795fs, P23436fs.
Identifiers: ClinVar variation 4787397 (VCV004787397.1).

ClinVar aggregate classification (germline): Likely pathogenic (1 of 4 stars; one submission).

Conditions:
Autosomal recessive limb-girdle muscular dystrophy type 2J (LGMDR10). Also called: Limb-girdle muscular dystrophy, type 2J; MUSCULAR DYSTROPHY, LIMB-GIRDLE, AUTOSOMAL RECESSIVE 10. Identifiers: Orphanet 140922, MedGen C1837342, MONDO:0012127, OMIM 608807.
Dilated cardiomyopathy 1G (CMD1G). Identifiers: Orphanet 154, MedGen C1858763, MONDO:0011400, OMIM 604145.

Submission:

Labcorp Genetics (formerly Invitae), Labcorp
Classification: Likely pathogenic for Dilated cardiomyopathy 1G; Autosomal recessive limb-girdle muscular dystrophy type 2J. Last evaluated: 2026-01-28. Review status: criteria provided, single submitter. Criteria: Invitae Variant Classification Sherloc (09022015). Collection method: clinical testing. Allele origin: germline.
Comment: This sequence change creates a premature translational stop signal (p.Pro23436Glnfs*25) in the TTN gene. While this is not anticipated to result in nonsense mediated decay, it is expected to create a truncated TTN protein. This variant is not present in population databases (gnomAD no frequency). This variant has not been reported in the literature in individuals affected with TTN-related conditions. This variant is located in the A band of TTN (PMID: 25589632). Truncating variants in this region are significantly overrepresented in patients affected with dilated cardiomyopathy (PMID: 25589632). Truncating variants in this region have also been reported in individuals affected with autosomal recessive centronuclear myopathy (PMID: 23975875). In summary, the currently available evidence indicates that the variant is pathogenic, but additional data are needed to prove that conclusively. Therefore, this variant has been classified as Likely Pathogenic.

Literature cited by the submitters: PubMed 25589632; PubMed 23975875.